The following is an entry in ClinVar:

NM_138817.3(SLC7A13):c.461A>C (p.Lys154Thr)

Gene: SLC7A13 (solute carrier family 7 member 13; minus strand). Cytogenetic location: 8q21.3.
Variant type: single nucleotide variant.
Coding change: c.461A>C on transcript NM_138817.3 (MANE Select); coding-DNA position 461, A replaced by C.
Protein change: p.Lys154Thr; replaces lysine 154 with threonine.
Molecular consequence: missense variant.
Genome position (GRCh38, 1-based): chr8:86,229,817, T>G on the plus strand (A>C on the coding strand, the complement: SLC7A13 is on the minus strand). VCF-style: chr8-86229817-T-G. GRCh37 (hg19) VCF-style: chr8-87242046-T-G.
Other names: short protein forms K154T.
Identifiers: ClinVar variation 4169117 (VCV004169117.2).
Genomic context (GRCh38, chr8:86,229,817, plus strand): 5'-ATGAAGCTAAGTATGGACACTTTCAGCACTGAGCTAGCTATCTGAAGCCAAGTCACTTCT[T>G]TCACACCACGAGAAGTCAGAATTCCTACAATCCACAACATGGCCAATGCCAGACATTTCT-3'
Protein context (NP_620172.2, residues 144-164): IVGILTSRGV[Lys154Thr]EVTWLQIASS

ClinVar aggregate classification (germline): Uncertain significance. Review status: criteria provided, multiple submitters, no conflicts (2 of 4 stars). 2 submissions from 2 submitters: Uncertain significance (2). Last evaluated 2025-08-23.

gnomAD v4.1: 76 of 1,614,188 alleles (0.0047%); highest among the groups gnomAD compares: East Asian, 0.17%; 1 homozygote.

Submissions (2):

Ambry Genetics
Classification: Uncertain significance. Last evaluated: 2025-08-23. Review status: criteria provided, single submitter. Criteria: Ambry Variant Classification Scheme 2023. Collection method: clinical testing. Allele origin: germline.

Labcorp Genetics (formerly Invitae), Labcorp
Classification: Uncertain significance. Last evaluated: 2025-08-05. Review status: criteria provided, single submitter. Criteria: Invitae Variant Classification Sherloc (09022015). Collection method: clinical testing. Allele origin: germline.
Comment: This sequence change replaces lysine, which is basic and polar, with threonine, which is neutral and polar, at codon 154 of the SLC7A13 protein (p.Lys154Thr). This variant is present in population databases (rs766574140, gnomAD 0.1%), and has an allele count higher than expected for a pathogenic variant. This variant has not been reported in the literature in individuals affected with SLC7A13-related conditions. An algorithm developed to predict the effect of missense changes on protein structure and function (PolyPhen-2) suggests that this variant is likely to be tolerated. In summary, the available evidence is currently insufficient to determine the role of this variant in disease. Therefore, it has been classified as a Variant of Uncertain Significance.